The following is an entry in ClinVar:

ClinVar aggregate classification (germline): Uncertain significance (1 of 4 stars; one submission).

Allele frequency attached by ClinVar (database versions not stated): TOPMed below 0.00001; gnomAD 0.00001; ExAC 0.00002.
gnomAD v4.1: 1 of 1,611,216 alleles (0.000062%); highest among the groups gnomAD compares: African/African-American, 0.0013%; no homozygotes.

Submission:

Labcorp Genetics (formerly Invitae), Labcorp
Classification: Uncertain significance. Last evaluated: 2024-02-26. Review status: criteria provided, single submitter. Criteria: Invitae Variant Classification Sherloc (09022015). Collection method: clinical testing. Allele origin: germline.
Comment: This sequence change replaces histidine, which is basic and polar, with arginine, which is basic and polar, at codon 1864 of the SPTBN2 protein (p.His1864Arg). This variant is present in population databases (rs780591556, gnomAD 0.007%). This variant has not been reported in the literature in individuals affected with SPTBN2-related conditions. ClinVar contains an entry for this variant (Variation ID: 1401010). Advanced modeling of protein sequence and biophysical properties (such as structural, functional, and spatial information, amino acid conservation, physicochemical variation, residue mobility, and thermodynamic stability) performed at Invitae indicates that this missense variant is not expected to disrupt SPTBN2 protein function with a negative predictive value of 80%. In summary, the available evidence is currently insufficient to determine the role of this variant in disease. Therefore, it has been classified as a Variant of Uncertain Significance.

NM_006946.4(SPTBN2):c.5591A>G (p.His1864Arg)

Gene: SPTBN2 (spectrin beta, non-erythrocytic 2; minus strand). Cytogenetic location: 11q13.2.
Variant type: single nucleotide variant.
Coding change: c.5591A>G on transcript NM_006946.4 (MANE Select); coding-DNA position 5591, A replaced by G.
Protein change: p.His1864Arg; replaces histidine 1864 with arginine.
Molecular consequence: missense variant.
Genome position (GRCh38, 1-based): chr11:66,690,258, T>C on the plus strand (A>G on the coding strand, the complement: SPTBN2 is on the minus strand). VCF-style: chr11-66690258-T-C. GRCh37 (hg19) VCF-style: chr11-66457729-T-C.
Other names: short protein forms H1864R.
Identifiers: ClinVar variation 1401010 (VCV001401010.8), dbSNP rs780591556, ClinGen allele CA6128208.